The following is an entry in ClinVar:

ClinVar aggregate classification (germline): Pathogenic (1 of 4 stars; one submission).

Conditions:
Intellectual developmental disorder, X-linked 1. Also called: MENTAL RETARDATION, X-LINKED 18; MENTAL RETARDATION, X-LINKED 78; Atkin Flaitz Patil Smith syndrome; Intellectual disability, X-linked 1. Identifiers: Orphanet 777, MedGen C2931498, MONDO:0010656, OMIM 309530.

Submission:

Labcorp Genetics (formerly Invitae), Labcorp
Classification: Pathogenic for Intellectual developmental disorder, X-linked 1. Last evaluated: 2023-09-17. Review status: criteria provided, single submitter. Criteria: Invitae Variant Classification Sherloc (09022015). Collection method: clinical testing. Allele origin: germline.
Comment: This variant has not been reported in the literature in individuals affected with IQSEC2-related conditions. For these reasons, this variant has been classified as Pathogenic. This variant is not present in population databases (gnomAD no frequency). This sequence change creates a premature translational stop signal (p.Gln505*) in the IQSEC2 gene. It is expected to result in an absent or disrupted protein product. Loss-of-function variants in IQSEC2 are known to be pathogenic (PMID: 21686261, 26793055, 27665735).

Literature cited by the submitters: PubMed 21686261; PubMed 26793055; PubMed 27665735.

NM_001111125.3(IQSEC2):c.1513C>T (p.Gln505Ter)

Gene: IQSEC2 (IQ motif and Sec7 domain ArfGEF 2; minus strand). Cytogenetic location: Xp11.22.
Variant type: single nucleotide variant.
Coding change: c.1513C>T on transcript NM_001111125.3 (MANE Select); coding-DNA position 1513, C replaced by T.
Protein change: p.Gln505Ter; replaces glutamine 505 with a stop codon.
Molecular consequence: nonsense.
Genome position (GRCh38, 1-based): chrX:53,251,063, G>A on the plus strand (C>T on the coding strand, the complement: IQSEC2 is on the minus strand). VCF-style: chrX-53251063-G-A. GRCh37 (hg19) VCF-style: chrX-53280245-G-A.
Other names: c.1513C>T, p.Gln505Ter (NM_001410736.1); c.898C>T, p.Gln300Ter (NM_015075.2); short protein forms Q300*, Q505*.
Identifiers: ClinVar variation 2761095 (VCV002761095.3), dbSNP rs2519809836, ClinGen allele CA413165949.